The following continues an entry in ClinVar:

NM_000019.4(ACAT1):c.473A>G (p.Asn158Ser)

Gene: ACAT1. ClinVar aggregate classification (germline): Pathogenic/Likely pathogenic. Pathogenic (8); Likely pathogenic (6).

Submissions 9 to 14 of 14:

ARUP Laboratories, Molecular Genetics and Genomics, ARUP Laboratories
Classification: Likely pathogenic for Deficiency of acetyl-CoA acetyltransferase. Last evaluated: 2023-10-10. Review status: criteria provided, single submitter. Criteria: ARUP Molecular Germline Variant Investigation Process 2024. Collection method: clinical testing. Allele origin: germline.
Comment: The ACAT1 c.473A>G; p.Asn158Ser variant (rs199524907), is reported in the literature in three individuals affected with alpha-methylacetoacetic aciduria (Abdelkreem 2019, Sakurai 2007, Sarafoglou 2011). This variant is also reported in ClinVar (Variation ID: 198030). This variant is found in the general population with an allele frequency of 0.03% (81/282788 alleles) in the Genome Aggregation Database. Additionally, another amino acid substitution at this codon (c.472A>G; p.Asn158Asp) has been reported in individuals with alpha-methylacetoacetic aciduria and is considered likely pathogenic (Otsuka 2016, Sakura 2007, Wakazono 1995). Functional analysis of the variant protein show a loss of catalytic activity (Abdelkreem 2019, Sakurai 2007). Computational analyses are uncertain whether this variant is neutral or deleterious (REVEL: 0.524). Based on available information, the c.473A>G; p.Asn158Ser variant is considered to be likely pathogenic. References: Abdelkreem E et al. Mutation update on ACAT1 variants associated with mitochondrial acetoacetyl-CoA thiolase (T2) deficiency. Hum Mutat. 2019 Oct;40(10):1641-1663. PMID: 31268215. Otsuka H et al. Exon 10 skipping in ACAT1 caused by a novel c.949G>A mutation located at an exonic splice enhancer site. Mol Med Rep. 2016 Nov;14(5):4906-4910. PMID: 27748876. Sakurai S et al. Kinetic and expression analyses of seven novel mutations in mitochondrial acetoacetyl-CoA thiolase (T2): identification of a Km mutant and an analysis of the mutational sites in the structure. Mol Genet Metab. 2007 Apr;90(4):370-8. PMID: 17236799. Sarafoglou K et al. Siblings with mitochondrial acetoacetyl-CoA thiolase deficiency not identified by newborn screening. Pediatrics. 2011 Jul;128(1):e246-50. PMID: 21669895. Wakazono et al. Molecular, biochemical, and clinical characterization of mitochondrial acetoacetyl-coenzyme A thiolase deficiency in two further patients. Hum Mutat. 1995;5(1):34-42. PMID: 7728148.

Revvity Omics, Revvity
Classification: Likely pathogenic for Deficiency of acetyl-CoA acetyltransferase. Last evaluated: 2021-09-22. Review status: criteria provided, single submitter. Criteria: ACMG Guidelines, 2015. Collection method: clinical testing. Allele origin: germline.

Ambry Genetics
Classification: Pathogenic for Inborn genetic diseases. Last evaluated: 2021-04-28. Review status: criteria provided, single submitter. Criteria: Ambry Variant Classification Scheme 2023. Collection method: clinical testing. Allele origin: germline.
Comment: The c.473A>G (p.N158S) alteration is located in exon 6 (coding exon 6) of the ACAT1 gene. This alteration results from a A to G substitution at nucleotide position 473, causing the asparagine (N) at amino acid position 158 to be replaced by a serine (S). Based on data from the Genome Aggregation Database (gnomAD) database, the ACAT1 c.473A>G alteration was observed in 0.03% (81/282788) of total alleles studied, with a frequency of 0.22% (78/35438) in the Latino subpopulation. This alteration has been reported in the compound heterozygous state with another alteration in patients with clinical and biochemical features of alpha-methylacetoacetic aciduria (Sakurai, 2007; Sarafoglou, 2011). In addition, another pathogenic mutation (p.N158D) has been reported affecting the same amino acid position (Sakurai, 2007). Based on transient expression analysis of mutant cDNA, the N158S alteration demonstrated protein instability in a temperature-sensitive manner and no residual enzyme activity (Sakurai, 2007). Based on the available evidence, this alteration is classified as pathogenic.

Women's Health and Genetics/Laboratory Corporation of America, LabCorp
Classification: Pathogenic for Deficiency of acetyl-CoA acetyltransferase. Last evaluated: 2020-06-11. Review status: criteria provided, single submitter. Criteria: LabCorp Variant Classification Summary - May 2015. Collection method: clinical testing. Allele origin: germline. Inheritance: Autosomal recessive inheritance.
Comment: Variant summary: ACAT1 c.473A>G (p.Asn158Ser) results in a conservative amino acid change located in the Thiolase, N-terminal of the encoded protein sequence. Three of five in-silico tools predict a benign effect of the variant on protein function. The variant allele was found at a frequency of 0.00031 in 251402 control chromosomes. This frequency is not significantly higher than expected for a pathogenic variant in ACAT1 causing Mitochondrial Acetoacetyl-CoA Thiolase Deficiency (0.00031 vs 0.0029), allowing no conclusion about variant significance. c.473A>G has been reported in the literature in individuals affected with Mitochondrial Acetoacetyl-CoA Thiolase Deficiency and has been subsequently cited by others (example, Sakurai_2007, Sarafoglou_2011, Abdelkreem_2019). These data indicate that the variant is likely to be associated with disease. At least one publication reports experimental evidence evaluating an impact on protein function (Sakurai_2007). The most pronounced variant effect results in a loss of catalytic activity due to an inability to fold into a tetramer configuration essential for the tertiary structure. A different missense substitution (p.Asn158Asp) at this location has been reported in patients with this disorder further corroborating a critical role of the Aspargine residue for protein function. Two clinical diagnostic laboratories have submitted clinical-significance assessments for this variant to ClinVar after 2014 without evidence for independent evaluation. All laboratories classified the variant as pathogenic (n=1)/likely pathogenic (n=1). Based on the evidence outlined above, the variant was classified as pathogenic.

Department of Pediatrics, Gifu University
Classification: Likely pathogenic for Deficiency of acetyl-CoA acetyltransferase. Last evaluated: 2019-05-05. Review status: criteria provided, single submitter. Criteria: ACMG Guidelines, 2015. Collection method: research. Allele origin: germline. Affected: yes. Observed: 3 variant alleles. Clinical features observed: Ketoacidosis.

Eurofins Ntd Llc (ga)
Classification: Pathogenic. Last evaluated: 2014-11-18. Review status: criteria provided, single submitter. Criteria: EGL Classification Definitions 2015. Collection method: clinical testing. Allele origin: germline. Observed: 3 variant alleles, 2 heterozygotes, 1 homozygote.

Literature cited by the submitters: PubMed 17236799 (cited by 6 submitters); PubMed 21669895 (cited by 5 submitters); PubMed 7749408 (cited by 3 submitters); PubMed 27748876 (cited by Labcorp Genetics (formerly Invitae), Labcorp and Rady Children's Institute for Genomic Medicine, Rady Children's Hospital San Diego); PubMed 39519275 (cited by Natera, Inc. and Rady Children's Institute for Genomic Medicine, Rady Children's Hospital San Diego); PubMed 31268215 (cited by 3 submitters).